The following is an entry in ClinVar:

NM_002382.5(MAX):c.301G>A (p.Ala101Thr)

Gene: MAX (MYC associated transcriptional regulator X; minus strand). Cytogenetic location: 14q23.3.
Variant type: single nucleotide variant.
Coding change: c.301G>A on transcript NM_002382.5 (MANE Select); coding-DNA position 301, G replaced by A.
Protein change: p.Ala101Thr; replaces alanine 101 with threonine.
Molecular consequence: missense variant. On other transcripts: 3 prime UTR variant (1), intron variant (2).
Genome position (GRCh38, 1-based): chr14:65,076,658, C>T on the plus strand (G>A on the coding strand, the complement: MAX is on the minus strand). VCF-style: chr14-65076658-C-T. GRCh37 (hg19) VCF-style: chr14-65543376-C-T.
Other names: c.112G>A, p.Ala38Thr (NM_001320415.2, NM_001407105.1, NM_001407106.1 and 1 more transcripts); c.301G>A, p.Ala101Thr (NM_001407094.1); c.274G>A, p.Ala92Thr (NM_001407095.1, NM_145112.3); c.*74G>A (NM_001407096.1, NM_001407099.1, NM_001407102.1 and 2 more transcripts); c.*90G>A (NM_001407097.1, NM_001407100.1, NM_001407101.1 and 4 more transcripts); c.193G>A, p.Ala65Thr (NM_001407098.1); c.100G>A, p.Ala34Thr (NM_001407111.1, NM_001407112.1); c.144+17050G>A (NM_001271069.2); and 1 more; short protein forms A101T, A38T, A92T, A65T, A34T.
Identifiers: ClinVar variation 959087 (VCV000959087.10), dbSNP rs2063066138, ClinGen allele CA390032036.

ClinVar aggregate classification (germline): Uncertain significance (1 of 4 stars; one submission).

Conditions:
Hereditary pheochromocytoma and paraganglioma. Also called: Hereditary pheochromocytoma-paraganglioma; Hereditary Paraganglioma-Pheochromocytoma Syndromes; Hereditary paragangliomas and pheochromocytomas. Identifiers: Orphanet 29072, MedGen C4274332, MONDO:0017366.

Submission:

Labcorp Genetics (formerly Invitae), Labcorp
Classification: Uncertain significance for Hereditary pheochromocytoma and paraganglioma. Last evaluated: 2019-08-02. Review status: criteria provided, single submitter. Criteria: Invitae Variant Classification Sherloc (09022015). Collection method: clinical testing. Allele origin: germline.
Comment: In summary, the available evidence is currently insufficient to determine the role of this variant in disease. Therefore, it has been classified as a Variant of Uncertain Significance. Algorithms developed to predict the effect of missense changes on protein structure and function are either unavailable or do not agree on the potential impact of this missense change (SIFT: "Deleterious"; PolyPhen-2: "Benign"; Align-GVGD: "Class C55"). This variant has not been reported in the literature in individuals with MAX-related conditions. This variant is not present in population databases (ExAC no frequency). This sequence change replaces alanine with threonine at codon 101 of the MAX protein (p.Ala101Thr). The alanine residue is highly conserved and there is a small physicochemical difference between alanine and threonine.